The following is an entry in ClinVar:

NM_001379286.1(ZNF423):c.173G>A (p.Ser58Asn)

Gene: ZNF423 (zinc finger protein 423; minus strand). Cytogenetic location: 16q12.1.
Variant type: single nucleotide variant.
Coding change: c.173G>A on transcript NM_001379286.1 (MANE Select); coding-DNA position 173, G replaced by A.
Protein change: p.Ser58Asn; replaces serine 58 with asparagine.
Molecular consequence: missense variant. On other transcripts: 5 prime UTR variant (1).
Genome position (GRCh38, 1-based): chr16:49,730,899, C>T on the plus strand (G>A on the coding strand, the complement: ZNF423 is on the minus strand). VCF-style: chr16-49730899-C-T. GRCh37 (hg19) VCF-style: chr16-49764810-C-T.
Other names: c.-32G>A (NM_001271620.2); c.149G>A, p.Ser50Asn (NM_015069.5); short protein forms S58N, S50N.
Identifiers: ClinVar variation 1381820 (VCV001381820.8), dbSNP rs1567316336, ClinGen allele CA396110453.

ClinVar aggregate classification (germline): Uncertain significance (1 of 4 stars; one submission).

Conditions:
Nephronophthisis 14 (NPHP14). Identifiers: Orphanet 2318, MedGen C3539071, MONDO:0013916, OMIM 614844.

Allele frequency attached by ClinVar (database versions not stated): gnomAD exomes below 0.00001 and 0.00001.
gnomAD v4.1: 4 of 1,614,206 alleles (0.00025%); highest among the groups gnomAD compares: Non-Finnish European, 0.00034%; no homozygotes.

Submission:

Labcorp Genetics (formerly Invitae), Labcorp
Classification: Uncertain significance for Nephronophthisis 14. Last evaluated: 2024-01-19. Review status: criteria provided, single submitter. Criteria: Invitae Variant Classification Sherloc (09022015). Collection method: clinical testing. Allele origin: germline.
Comment: This sequence change replaces serine, which is neutral and polar, with asparagine, which is neutral and polar, at codon 50 of the ZNF423 protein (p.Ser50Asn). This variant is not present in population databases (gnomAD no frequency). This variant has not been reported in the literature in individuals affected with ZNF423-related conditions. ClinVar contains an entry for this variant (Variation ID: 1381820). An algorithm developed to predict the effect of missense changes on protein structure and function (PolyPhen-2) suggests that this variant is likely to be tolerated. In summary, the available evidence is currently insufficient to determine the role of this variant in disease. Therefore, it has been classified as a Variant of Uncertain Significance.